The following is an entry in ClinVar:

NM_001039705.3(TRO):c.3585C>T (p.Thr1195=)

Gene: TRO (trophinin; plus strand). Cytogenetic location: Xp11.21.
Variant type: single nucleotide variant.
Coding change: c.3585C>T on transcript NM_001039705.3 (MANE Select); coding-DNA position 3585, C replaced by T.
Protein change: p.Thr1195=; no amino-acid change (threonine 1195 retained).
Molecular consequence: synonymous variant. On other transcripts: intron variant (3).
Genome position (GRCh38, 1-based): chrX:54,930,309, C>T. VCF-style: chrX-54930309-C-T. GRCh37 (hg19) VCF-style: chrX-54956742-C-T.
Other names: c.2178C>T, p.Thr726= (NM_001271183.2); c.2394C>T, p.Thr798= (NM_001271184.2); c.1987-895C>T (NM_016157.4, NM_177556.3); c.796-895C>T (NM_177557.3).
Identifiers: ClinVar variation 2660683 (VCV002660683.24), dbSNP rs781271432, ClinGen allele CA10427456.

ClinVar aggregate classification (germline): Likely benign (1 of 4 stars; one submission).

Allele frequency attached by ClinVar (database versions not stated): ExAC 0.00005; gnomAD 0.00005; gnomAD exomes 0.00005; TOPMed 0.00007.
gnomAD v4.1: 58 of 1,210,776 alleles (0.0048%); highest among the groups gnomAD compares: Middle Eastern, 0.023%; no homozygotes.

Submission:

CeGaT Center for Human Genetics Tuebingen
Classification: Likely benign. Last evaluated: 2023-01-01. Review status: criteria provided, single submitter. Criteria: CeGaT Center For Human Genetics Tuebingen Variant Classification Criteria Version 2. Collection method: clinical testing. Allele origin: germline. Affected: yes. Observed: 1 variant allele.
Comment: TRO: BP4, BP7, BS2